The following is an entry in ClinVar:

NM_014339.7(IL17RA):c.8C>T (p.Ala3Val)

Genes: IL17RA (interleukin 17 receptor A; plus strand), LOC130066894 (ATAC-STARR-seq lymphoblastoid silent region 13430; plus strand). Cytogenetic location: 22q11.1.
Variant type: single nucleotide variant.
Coding change: c.8C>T on transcript NM_014339.7 (MANE Select); coding-DNA position 8, C replaced by T.
Protein change: p.Ala3Val; replaces alanine 3 with valine.
Molecular consequence: missense variant.
Genome position (GRCh38, 1-based): chr22:17,085,099, C>T. VCF-style: chr22-17085099-C-T. GRCh37 (hg19) VCF-style: chr22-17565989-C-T.
Other names: c.8C>T, p.Ala3Val (NM_001289905.2); short protein forms A3V.
Identifiers: ClinVar variation 645784 (VCV000645784.9), dbSNP rs567320041, ClinGen allele CA321139713.
Genomic context (GRCh38, chr22:17,085,099, plus strand): 5'-TCGTTCGCTGCGTCCCCAGCCGGGGCCGAGCCCTCCGCGACGCCAGCCGGGCCATGGGGG[C>T]CGCACGCAGCCCGCCGTCCGCTGTCCCGGGGCCCCTGCTGGGGCTGCTCCTGCTGCTCCT-3'
Protein context (NP_055154.3, residues 1-13): MG[Ala3Val]ARSPPSAVPG

ClinVar aggregate classification (germline): Uncertain significance. Review status: criteria provided, multiple submitters, no conflicts (2 of 4 stars). 2 submissions from 2 submitters: Uncertain significance (2). Last evaluated 2022-08-23.

Conditions:
Immunodeficiency 51 (IMD51). Also called: CANDIDIASIS, FAMILIAL, 5. Identifiers: Orphanet 1334, MedGen C4310803, MONDO:0013500, OMIM 613953.

Allele frequency attached by ClinVar (database versions not stated): gnomAD exomes 0.00002; gnomAD 0.00006 and 0.00007; TOPMed 0.00008; 1000 Genomes Project 30x 0.00016; 1000 Genomes Project 0.00060.
gnomAD v4.1: 32 of 1,357,238 alleles (0.0024%); highest among the groups gnomAD compares: African/African-American, 0.029%; no homozygotes.

Submissions (2):

Labcorp Genetics (formerly Invitae), Labcorp
Classification: Uncertain significance for Immunodeficiency 51. Last evaluated: 2022-08-23. Review status: criteria provided, single submitter. Criteria: Invitae Variant Classification Sherloc (09022015). Collection method: clinical testing. Allele origin: germline.
Comment: This sequence change replaces alanine, which is neutral and non-polar, with valine, which is neutral and non-polar, at codon 3 of the IL17RA protein (p.Ala3Val). This variant is present in population databases (rs567320041, gnomAD 0.01%). This variant has not been reported in the literature in individuals affected with IL17RA-related conditions. ClinVar contains an entry for this variant (Variation ID: 645784). Algorithms developed to predict the effect of missense changes on protein structure and function are either unavailable or do not agree on the potential impact of this missense change (SIFT: "Tolerated"; PolyPhen-2: "Not Available"; Align-GVGD: "Class C0"). In summary, the available evidence is currently insufficient to determine the role of this variant in disease. Therefore, it has been classified as a Variant of Uncertain Significance.

Blueprint Genetics
Classification: Uncertain significance. Last evaluated: 2022-02-19. Review status: criteria provided, single submitter. Criteria: ACMG Guidelines, 2015. Collection method: clinical testing. Allele origin: germline.